The following is an entry in ClinVar:

ClinVar aggregate classification (germline): Uncertain significance (1 of 4 stars; one submission).

Submission:

Labcorp Genetics (formerly Invitae), Labcorp
Classification: Uncertain significance. Last evaluated: 2021-05-27. Review status: criteria provided, single submitter. Criteria: Invitae Variant Classification Sherloc (09022015). Collection method: clinical testing. Allele origin: germline.
Comment: Algorithms developed to predict the effect of missense changes on protein structure and function (SIFT, PolyPhen-2, Align-GVGD) all suggest that this variant is likely to be tolerated, but these predictions have not been confirmed by published functional studies and their clinical significance is uncertain. In summary, the available evidence is currently insufficient to determine the role of this variant in disease. Therefore, it has been classified as a Variant of Uncertain Significance. This variant has not been reported in the literature in individuals with LAMTOR2-related conditions. This variant is not present in population databases (ExAC no frequency). This sequence change replaces glutamine with histidine at codon 109 of the LAMTOR2 protein (p.Gln109His). The glutamine residue is weakly conserved and there is a small physicochemical difference between glutamine and histidine.

NM_014017.4(LAMTOR2):c.327G>C (p.Gln109His)

Gene: LAMTOR2 (late endosomal/lysosomal adaptor, MAPK and MTOR activator 2; plus strand). Cytogenetic location: 1q22.
Variant type: single nucleotide variant.
Coding change: c.327G>C on transcript NM_014017.4 (MANE Select); coding-DNA position 327, G replaced by C.
Protein change: p.Gln109His; replaces glutamine 109 with histidine.
Molecular consequence: missense variant.
Genome position (GRCh38, 1-based): chr1:156,058,320, G>C. VCF-style: chr1-156058320-G-C. GRCh37 (hg19) VCF-style: chr1-156028111-G-C.
Other names: c.237G>C, p.Gln79His (NM_001145264.2); short protein forms Q79H, Q109H.
Identifiers: ClinVar variation 1468967 (VCV001468967.8), dbSNP rs2102765851, ClinGen allele CA342816450.